The following is an entry in ClinVar:

NM_001165963.4(SCN1A):c.5012T>C (p.Phe1671Ser)

Genes: SCN1A (sodium voltage-gated channel alpha subunit 1; minus strand), LOC102724058 (uncharacterized LOC102724058; plus strand). Cytogenetic location: 2q24.3.
Variant type: single nucleotide variant.
Coding change: c.5012T>C on transcript NM_001165963.4 (MANE Select); coding-DNA position 5012, T replaced by C.
Protein change: p.Phe1671Ser; replaces phenylalanine 1671 with serine.
Molecular consequence: missense variant. On other transcripts: non-coding transcript variant (1).
Genome position (GRCh38, 1-based): chr2:165,992,263, A>G on the plus strand (T>C on the coding strand, the complement: SCN1A is on the minus strand). VCF-style: chr2-165992263-A-G. GRCh37 (hg19) VCF-style: chr2-166848773-A-G.
Other names: c.4928T>C, p.Phe1643Ser (NM_001165964.3, NM_001353957.2, NM_001353958.2); c.5012T>C, p.Phe1671Ser (NM_001202435.3, NM_001353948.2); c.4979T>C, p.Phe1660Ser (NM_001353949.2, NM_001353950.2, NM_001353951.2 and 2 more transcripts); c.4976T>C, p.Phe1659Ser (NM_001353954.2, NM_001353955.2); c.4925T>C, p.Phe1642Ser (NM_001353960.2); c.2570T>C, p.Phe857Ser (NM_001353961.2); short protein forms F1659S, F857S, F1643S, F1642S, F1671S, F1660S.
Identifiers: ClinVar variation 2098956 (VCV002098956.4), dbSNP rs2468339083, ClinGen allele CA349069720.

ClinVar aggregate classification (germline): Uncertain significance (1 of 4 stars; one submission).

Conditions:
Early-infantile DEE. Also called: Early infantile epileptic encephalopathy; Early infantile epileptic encephalopathy with suppression bursts; Ohtahara syndrome. Identifiers: Orphanet 1934, MedGen C0393706, MONDO:0800491.

Submission:

Labcorp Genetics (formerly Invitae), Labcorp
Classification: Uncertain significance for Early-infantile DEE. Last evaluated: 2022-02-18. Review status: criteria provided, single submitter. Criteria: Invitae Variant Classification Sherloc (09022015). Collection method: clinical testing. Allele origin: germline.
Comment: This sequence change replaces phenylalanine, which is neutral and non-polar, with serine, which is neutral and polar, at codon 1671 of the SCN1A protein (p.Phe1671Ser). This variant is not present in population databases (gnomAD no frequency). This variant has not been reported in the literature in individuals affected with SCN1A-related conditions. Advanced modeling of protein sequence and biophysical properties (such as structural, functional, and spatial information, amino acid conservation, physicochemical variation, residue mobility, and thermodynamic stability) performed at Invitae indicates that this missense variant is expected to disrupt SCN1A protein function. In summary, the available evidence is currently insufficient to determine the role of this variant in disease. Therefore, it has been classified as a Variant of Uncertain Significance.